The following is an entry in ClinVar:

ClinVar aggregate classification (germline): Likely pathogenic (1 of 4 stars; one submission).

Conditions:
Intellectual developmental disorder, autosomal dominant 50, with behavioral abnormalities. Also called: MENTAL RETARDATION, AUTOSOMAL DOMINANT 50; Intellectual disability, autosomal dominant 50. Identifiers: MedGen C4540470, MONDO:0030916, OMIM 617787.

Submission:

Laboratorio de Genetica e Diagnostico Molecular, Hospital Israelita Albert Einstein
Classification: Likely pathogenic for Intellectual developmental disorder, autosomal dominant 50, with behavioral abnormalities. Last evaluated: 2025-07-02. Review status: criteria provided, single submitter. Criteria: ACMG Guidelines, 2015. Collection method: clinical testing. Allele origin: germline. Affected: yes.
Comment: ACMG classification criteria: PVS1 very strong, PM2 supporting

NM_057175.5(NAA15):c.215del (p.Gly72fs)

Gene: NAA15 (N-alpha-acetyltransferase 15, NatA auxiliary subunit; plus strand). Cytogenetic location: 4q31.1.
Variant type: Deletion.
Coding change: c.215del on transcript NM_057175.5 (MANE Select); coding-DNA position 215, one base deleted (G; older notation c.215delG).
Protein change: p.Gly72fs; shifts the reading frame from glycine 72.
Molecular consequence: frameshift variant.
Genome position (GRCh38, 1-based): chr4:139,336,923, G deleted; the last of 2 consecutive G bases (chr4:139,336,922-139,336,923); deleting either gives the same sequence. VCF-style (leftmost placement, unchanged base first): chr4-139336921-AG-A. GRCh37 (hg19) VCF-style: chr4-140258075-AG-A.
Other names: c.215del, p.Gly72fs (NM_001410842.1); short protein forms G72fs.
Identifiers: ClinVar variation 4846861 (VCV004846861.1).